The following is an entry in ClinVar:

NM_000520.6(HEXA):c.1540del (p.Ala514fs)

Gene: HEXA (hexosaminidase subunit alpha; minus strand). Cytogenetic location: 15q23.
Variant type: Deletion.
Coding change: c.1540del on transcript NM_000520.6 (MANE Select); coding-DNA position 1540, one base deleted (G; older notation c.1540delG).
Protein change: p.Ala514fs; shifts the reading frame from alanine 514.
Molecular consequence: frameshift variant.
Genome position (GRCh38, 1-based): chr15:72,344,127, C deleted on the plus strand (G on the coding strand, the reverse complement: HEXA is on the minus strand); the first of 2 consecutive C bases (chr15:72,344,127-72,344,128); deleting either gives the same sequence. VCF-style (leftmost placement, unchanged base first): chr15-72344126-GC-G. GRCh37 (hg19) VCF-style: chr15-72636467-GC-G.
Other names: c.1573del, p.Ala525fs (NM_001318825.2); short protein forms A525fs, A514fs.
Identifiers: ClinVar variation 3657056 (VCV003657056.2).
Genomic context (GRCh38, chr15:72,344,126, plus strand): 5'-GTGCCTGGGGCTCAGGTCTGTTCAAACTCCTGCTCACAGAAGCCTACATTGAGGGGTTGG[GC>G]CTGGACACCTCGCCTGCAAGAGGACATGAAGAAATGGCAAGATAAGCCCCTCAGAAGGGG-3'

ClinVar aggregate classification (germline): Pathogenic (1 of 4 stars; one submission).

Conditions:
Tay-Sachs disease (TSD). Also called: HEXA DEFICIENCY; GM2 gangliosidosis, type 1; Hexosaminidase alpha-subunit deficiency (variant B); Sphingolipidosis, Tay-Sachs; Hexosaminidase A Deficiency; HEXA Disorders. Identifiers: Orphanet 845, MedGen C0039373, MONDO:0010100, OMIM 272800.

Submission:

Labcorp Genetics (formerly Invitae), Labcorp
Classification: Pathogenic for Tay-Sachs disease. Last evaluated: 2024-06-19. Review status: criteria provided, single submitter. Criteria: Invitae Variant Classification Sherloc (09022015). Collection method: clinical testing. Allele origin: germline.
Comment: This sequence change creates a premature translational stop signal (p.Ala514Profs*6) in the HEXA gene. While this is not anticipated to result in nonsense mediated decay, it is expected to disrupt the last 16 amino acid(s) of the HEXA protein. This variant is not present in population databases (gnomAD no frequency). This variant has not been reported in the literature in individuals affected with HEXA-related conditions. This variant disrupts a region of the HEXA protein in which other variant(s) (p.Phe521Leu) have been determined to be pathogenic (PMID: 25860343). This suggests that this is a clinically significant region of the protein, and that variants that disrupt it are likely to be disease-causing. For these reasons, this variant has been classified as Pathogenic.

Literature cited by the submitters: PubMed 25860343.